The following is an entry in ClinVar:

ClinVar aggregate classification (germline): Uncertain significance. Review status: criteria provided, multiple submitters, no conflicts (2 of 4 stars). 2 submissions from 2 submitters: Uncertain significance (2). Last evaluated 2025-07-27.

Conditions:
Hereditary spastic paraplegia 57. Also called: Spastic paraplegia 57, autosomal recessive. Identifiers: Orphanet 431329, MedGen C3714897, MONDO:0014295, OMIM 615658.
Hereditary motor and sensory neuropathy, Okinawa type (HMSNO). Also called: HEREDITARY MOTOR AND SENSORY NEUROPATHY, PROXIMAL TYPE. Identifiers: Orphanet 90117, MedGen C1858338, MONDO:0011468, OMIM 604484.

Allele frequency attached by ClinVar (database versions not stated): gnomAD exomes below 0.00001 and 0.00004; TOPMed 0.00001; gnomAD 0.00002.

Submissions (2):

Labcorp Genetics (formerly Invitae), Labcorp
Classification: Uncertain significance for Hereditary motor and sensory neuropathy, Okinawa type; Hereditary spastic paraplegia 57. Last evaluated: 2025-07-27. Review status: criteria provided, single submitter. Criteria: Invitae Variant Classification Sherloc (09022015). Collection method: clinical testing. Allele origin: germline.
Comment: This sequence change replaces glycine, which is neutral and non-polar, with valine, which is neutral and non-polar, at codon 391 of the TFG protein (p.Gly391Val). This variant is present in population databases (no rsID available, gnomAD 0.002%). This variant has not been reported in the literature in individuals affected with TFG-related conditions. ClinVar contains an entry for this variant (Variation ID: 941860). Invitae Evidence Modeling of protein sequence and biophysical properties (such as structural, functional, and spatial information, amino acid conservation, physicochemical variation, residue mobility, and thermodynamic stability) indicates that this missense variant is not expected to disrupt TFG protein function with a negative predictive value of 80%. In summary, the available evidence is currently insufficient to determine the role of this variant in disease. Therefore, it has been classified as a Variant of Uncertain Significance.

GeneDx
Classification: Uncertain significance. Last evaluated: 2021-04-21. Review status: criteria provided, single submitter. Criteria: GeneDx Variant Classification Process June 2021. Collection method: clinical testing. Allele origin: germline. Affected: yes.
Comment: Not observed at a significant frequency in large population cohorts (Lek et al., 2016); In silico analysis supports that this missense variant does not alter protein structure/function; Has not been previously published as pathogenic or benign to our knowledge

NM_006070.6(TFG):c.1172G>T (p.Gly391Val)

Gene: TFG (trafficking from ER to golgi regulator; plus strand). Cytogenetic location: 3q12.2.
Variant type: single nucleotide variant.
Coding change: c.1172G>T on transcript NM_006070.6 (MANE Select); coding-DNA position 1172, G replaced by T.
Protein change: p.Gly391Val; replaces glycine 391 with valine.
Molecular consequence: missense variant.
Genome position (GRCh38, 1-based): chr3:100,748,500, G>T. VCF-style: chr3-100748500-G-T. GRCh37 (hg19) VCF-style: chr3-100467344-G-T.
Other names: c.1172G>T, p.Gly391Val (NM_001007565.2, NM_001195478.2); c.1160G>T, p.Gly387Val (NM_001195479.2); short protein forms G391V, G387V.
Identifiers: ClinVar variation 941860 (VCV000941860.9), dbSNP rs1214775332, ClinGen allele CA353854701.
Genomic context (GRCh38, chr3:100,748,500, plus strand): 5'-TGACCCCTCCTCCAAGTGGGCCTAATCCTTATGCGCGTAACCGTCCTCCCTTTGGTCAGG[G>T]CTATACCCAACCTGGACCTGGTTATCGATAAGGAGGCTCCTCTACACCAATTAATGTAGC-3'
Protein context (NP_006061.2, residues 381-400): YARNRPPFGQ[Gly391Val]YTQPGPGYR